The following is an entry in ClinVar:

NM_000548.5(TSC2):c.774+4G>C

Gene: TSC2 (TSC complex subunit 2; plus strand). Cytogenetic location: 16p13.3.
Variant type: single nucleotide variant.
Coding change: c.774+4G>C on transcript NM_000548.5 (MANE Select); 4 bases into the intron after coding-DNA position 774, G replaced by C.
Molecular consequence: intron variant.
Genome position (GRCh38, 1-based): chr16:2,056,773, G>C. VCF-style: chr16-2056773-G-C. GRCh37 (hg19) VCF-style: chr16-2106774-G-C.
Other names: c.774+4G>C (NM_001114382.3, NM_021055.3, NM_001370405.1 and 3 more transcripts); c.663+4G>C (NM_001318827.2); c.174+4G>C (NM_001318831.2); c.627+4G>C (NM_001318829.2); c.807+4G>C (NM_001318832.2).
Identifiers: ClinVar variation 1396074 (VCV001396074.6), dbSNP rs1244859914, ClinGen allele CA2573151827.

ClinVar aggregate classification (germline): Uncertain significance (1 of 4 stars; one submission).

Conditions:
Tuberous sclerosis 2 (TSC2). Identifiers: Orphanet 805, MedGen C1860707, MONDO:0013199, OMIM 613254.

Submission:

Labcorp Genetics (formerly Invitae), Labcorp
Classification: Uncertain significance for Tuberous sclerosis 2. Last evaluated: 2021-12-02. Review status: criteria provided, single submitter. Criteria: Invitae Variant Classification Sherloc (09022015). Collection method: clinical testing. Allele origin: germline.
Comment: This variant has not been reported in the literature in individuals affected with TSC2-related conditions. Variants that disrupt the consensus splice site are a relatively common cause of aberrant splicing (PMID: 17576681, 9536098). Algorithms developed to predict the effect of sequence changes on RNA splicing suggest that this variant is not likely to affect RNA splicing. This variant is not present in population databases (gnomAD no frequency). This sequence change falls in intron 8 of the TSC2 gene. It does not directly change the encoded amino acid sequence of the TSC2 protein. It affects a nucleotide within the consensus splice site. In summary, the available evidence is currently insufficient to determine the role of this variant in disease. Therefore, it has been classified as a Variant of Uncertain Significance.

Literature cited by the submitters: PubMed 17576681; PubMed 9536098.